The following is an entry in ClinVar:

NM_032125.3(TMEM222):c.622C>T (p.Arg208Trp)

Gene: TMEM222 (transmembrane protein 222; plus strand). Cytogenetic location: 1p36.11.
Variant type: single nucleotide variant.
Coding change: c.622C>T on transcript NM_032125.3 (MANE Select); coding-DNA position 622, C replaced by T.
Protein change: p.Arg208Trp; replaces arginine 208 with tryptophan.
Molecular consequence: missense variant. On other transcripts: non-coding transcript variant (3).
Genome position (GRCh38, 1-based): chr1:27,335,461, C>T. VCF-style: chr1-27335461-C-T. GRCh37 (hg19) VCF-style: chr1-27661952-C-T.
Other names: short protein forms R208W.
Identifiers: ClinVar variation 2638556 (VCV002638556.24), dbSNP rs150461998, ClinGen allele CA712274.
Genomic context (GRCh38, chr1:27,335,461, plus strand): 5'-TGGCTGCCCTTCATCCTTCTCCTGGGCATCATCCTCACCGTCAGCCTGGTCTTTAACCTC[C>T]GGTGATGGCTGCTCGGTGGCCCCACACCCACCAGGGTCCCGAGGAAACAGCCGCCATCCC-3'
Protein context (NP_115501.2, residues 198-208): ILTVSLVFNL[Arg208Trp]

ClinVar aggregate classification (germline): Benign (1 of 4 stars; one submission).

Allele frequency attached by ClinVar (database versions not stated): gnomAD 0.00759; 1000 Genomes Project 0.00819; 1000 Genomes Project 30x 0.00828; ESP Exome Variant Server 0.00930; ExAC 0.00939; TOPMed 0.00979; gnomAD exomes 0.01002.
gnomAD v4.1: 16,024 of 1,614,130 alleles (0.99%); highest among the groups gnomAD compares: South Asian, 1.4%; 126 homozygotes.

Submission:

CeGaT Center for Human Genetics Tuebingen
Classification: Benign. Last evaluated: 2026-08-01. Review status: criteria provided, single submitter. Criteria: CeGaT Center For Human Genetics Tuebingen Variant Classification Criteria Version 2. Collection method: clinical testing. Allele origin: germline. Affected: yes. Observed: 20 variant alleles.
Comment: TMEM222: BP4, BS1, BS2